The following is an entry in ClinVar:

NM_006545.5(NPRL2):c.88G>T (p.Asp30Tyr)

Gene: NPRL2 (NPR2 like, GATOR1 complex subunit; minus strand). Cytogenetic location: 3p21.31.
Variant type: single nucleotide variant.
Coding change: c.88G>T on transcript NM_006545.5 (MANE Select); coding-DNA position 88, G replaced by T.
Protein change: p.Asp30Tyr; replaces aspartic acid 30 with tyrosine.
Molecular consequence: missense variant.
Genome position (GRCh38, 1-based): chr3:50,350,013, C>A on the plus strand (G>T on the coding strand, the complement: NPRL2 is on the minus strand). VCF-style: chr3-50350013-C-A. GRCh37 (hg19) VCF-style: chr3-50387444-C-A.
Other names: short protein forms D30Y.
Identifiers: ClinVar variation 3572837 (VCV003572837.1).

ClinVar aggregate classification (germline): Uncertain significance (1 of 4 stars; one submission).

Submission:

GeneDx
Classification: Uncertain significance. Last evaluated: 2024-07-10. Review status: criteria provided, single submitter. Criteria: GeneDx Variant Classification Process June 2021. Collection method: clinical testing. Allele origin: germline. Affected: yes.
Comment: Not observed at significant frequency in large population cohorts (gnomAD); In silico analysis supports that this missense variant has a deleterious effect on protein structure/function; Has not been previously published as pathogenic or benign to our knowledge